The following is an entry in ClinVar:

NM_133636.5(HELQ):c.381A>G (p.Glu127=)

Gene: HELQ (helicase, POLQ like; minus strand). Cytogenetic location: 4q21.23.
Variant type: single nucleotide variant.
Coding change: c.381A>G on transcript NM_133636.5 (MANE Select); coding-DNA position 381, A replaced by G.
Protein change: p.Glu127=; no amino-acid change (glutamic acid 127 retained).
Molecular consequence: synonymous variant. On other transcripts: 5 prime UTR variant (2), non-coding transcript variant (1).
Genome position (GRCh38, 1-based): chr4:83,453,862, T>C on the plus strand (A>G on the coding strand, the complement: HELQ is on the minus strand). VCF-style: chr4-83453862-T-C. GRCh37 (hg19) VCF-style: chr4-84375015-T-C.
Other names: c.381A>G, p.Glu127= (NM_001297755.2, NM_001297759.2); c.-1124A>G (NM_001297756.2); c.-1154A>G (NM_001297757.2); c.270A>G, p.Glu90= (NM_001297758.2).
Identifiers: ClinVar variation 3038522 (VCV003038522.2), dbSNP rs140155835, ClinGen allele CA2989991.

ClinVar aggregate classification (germline): Likely benign (0 of 4 stars; one submission).

Conditions:
HELQ-related disorder. Also called: HELQ-related condition.

Allele frequency attached by ClinVar (database versions not stated): gnomAD exomes 0.00003; ExAC 0.00007; gnomAD 0.00023; TOPMed 0.00023; ESP Exome Variant Server 0.00046.
gnomAD v4.1: 85 of 1,614,112 alleles (0.0053%); highest among the groups gnomAD compares: African/African-American, 0.085%; no homozygotes.

Submission:

PreventionGenetics, part of Exact Sciences
Classification: Likely benign for HELQ-related condition. Last evaluated: 2019-05-20. Review status: no assertion criteria provided. Collection method: clinical testing. Allele origin: germline.
Comment: This variant is classified as likely benign based on ACMG/AMP sequence variant interpretation guidelines (Richards et al. 2015 PMID: 25741868, with internal and published modifications).